The following is an entry in ClinVar:

NM_000193.4(SHH):c.671T>A (p.Val224Glu)

Gene: SHH (sonic hedgehog signaling molecule; minus strand). Cytogenetic location: 7q36.3.
Variant type: single nucleotide variant.
Coding change: c.671T>A on transcript NM_000193.4 (MANE Select); coding-DNA position 671, T replaced by A.
Protein change: p.Val224Glu; replaces valine 224 with glutamic acid.
Molecular consequence: missense variant. On other transcripts: intron variant (1).
Genome position (GRCh38, 1-based): chr7:155,803,618, A>T on the plus strand (T>A on the coding strand, the complement: SHH is on the minus strand). VCF-style: chr7-155803618-A-T. GRCh37 (hg19) VCF-style: chr7-155596312-A-T.
Other names: c.671T>A; c.301+2678T>A (NM_001310462.2); short protein forms V224E.
Identifiers: ClinVar variation 8882 (VCV000008882.2), dbSNP rs104894042, ClinGen allele CA340833.

ClinVar aggregate classification (germline): Pathogenic. Review status: no assertion criteria provided (0 of 4 stars). 2 submissions from 2 submitters: Pathogenic (2). Last evaluated 2013-08-29.

Conditions:
Holoprosencephaly 3 (HPE3). Identifiers: Orphanet 2162, MedGen C1840529, MONDO:0007733, OMIM 142945.

Submissions (2):

GeneReviews
Classification: Pathogenic for Holoprosencephaly. Last evaluated: 2013-08-29. Review status: no assertion criteria provided. Collection method: curation. Allele origin: unknown.
ClinVar note: Converted during submission from pathologic to Pathogenic.

OMIM
Classification: Pathogenic for HOLOPROSENCEPHALY 3. Last evaluated: 1997-10-01. Review status: no assertion criteria provided. Collection method: literature only. Allele origin: germline.

Literature cited by the submitters: PubMed 9302262 (cited by OMIM).